The following is an entry in ClinVar:

NM_004526.4(MCM2):c.786T>C (p.Ala262=)

Gene: MCM2 (minichromosome maintenance complex component 2; plus strand). Cytogenetic location: 3q21.3.
Variant type: single nucleotide variant.
Coding change: c.786T>C on transcript NM_004526.4 (MANE Select); coding-DNA position 786, T replaced by C.
Protein change: p.Ala262=; no amino-acid change (alanine 262 retained).
Molecular consequence: synonymous variant. On other transcripts: non-coding transcript variant (1).
Genome position (GRCh38, 1-based): chr3:127,606,230, T>C. VCF-style: chr3-127606230-T-C. GRCh37 (hg19) VCF-style: chr3-127325073-T-C.
Identifiers: ClinVar variation 512043 (VCV000512043.1), dbSNP rs1553741875, ClinGen allele CA435761219.

ClinVar aggregate classification (germline): Likely benign (1 of 4 stars; one submission).

Submission:

GeneDx
Classification: Likely benign. Last evaluated: 2017-09-27. Review status: criteria provided, single submitter. Criteria: GeneDx Variant Classification (06012015). Collection method: clinical testing. Allele origin: germline. Affected: yes.
Comment: This variant is considered likely benign or benign based on one or more of the following criteria: it is a conservative change, it occurs at a poorly conserved position in the protein, it is predicted to be benign by multiple in silico algorithms, and/or has population frequency not consistent with disease.